The following is an entry in ClinVar:

ClinVar aggregate classification (germline): Pathogenic. Review status: criteria provided, multiple submitters, no conflicts (2 of 4 stars). 2 submissions from 2 submitters: Pathogenic (2). Last evaluated 2024-09-22.

Conditions:
Mucopolysaccharidosis type 7 (MPS7). Also called: MPS VII; BETA-GLUCURONIDASE DEFICIENCY; GUSB DEFICIENCY; SLY SYNDROME. Identifiers: Orphanet 584, MedGen C0085132, MONDO:0009662, OMIM 253220.

Allele frequency attached by ClinVar (database versions not stated): gnomAD exomes below 0.00001.

Submissions (2):

Genomic Medicine Center of Excellence, King Faisal Specialist Hospital and Research Centre
Classification: Pathogenic for Mucopolysaccharidosis type 7. Last evaluated: 2024-09-22. Review status: criteria provided, single submitter. Criteria: ACMG Guidelines, 2015. Collection method: clinical testing. Allele origin: germline.

Labcorp Genetics (formerly Invitae), Labcorp
Classification: Pathogenic for Mucopolysaccharidosis type 7. Last evaluated: 2023-08-03. Review status: criteria provided, single submitter. Criteria: Invitae Variant Classification Sherloc (09022015). Collection method: clinical testing. Allele origin: germline.
Comment: This variant has not been reported in the literature in individuals affected with GUSB-related conditions. This variant is not present in population databases (gnomAD no frequency). This sequence change creates a premature translational stop signal (p.Asn486*) in the GUSB gene. It is expected to result in an absent or disrupted protein product. Loss-of-function variants in GUSB are known to be pathogenic (PMID: 19224584). Algorithms developed to predict the effect of sequence changes on RNA splicing suggest that this variant may disrupt the consensus splice site. For these reasons, this variant has been classified as Pathogenic.

Literature cited by the submitters: PubMed 19224584 (cited by Labcorp Genetics (formerly Invitae), Labcorp).

NM_000181.4(GUSB):c.1455dup (p.Asn486Ter)

Gene: GUSB (glucuronidase beta; minus strand). Cytogenetic location: 7q11.21.
Variant type: Duplication.
Coding change: c.1455dup on transcript NM_000181.4 (MANE Select); coding-DNA position 1455, one base duplicated (T; older notation c.1455dupT).
Protein change: p.Asn486Ter; replaces asparagine 486 with a stop codon.
Molecular consequence: nonsense.
Genome position (GRCh38, 1-based): chr7:65,970,303, A duplicated on the plus strand (T on the coding strand, the reverse complement: GUSB is on the minus strand). VCF-style (leftmost placement, unchanged base first): chr7-65970302-T-TA. GRCh37 (hg19) VCF-style: chr7-65435289-T-TA.
Other names: c.1017dup, p.Asn340Ter (NM_001284290.2); c.885dup, p.Asn296Ter (NM_001293104.2); c.798dup, p.Asn267Ter (NM_001293105.2); short protein forms N340*, N486*, N267*, N296*.
Identifiers: ClinVar variation 2731024 (VCV002731024.4), dbSNP rs1791107315, ClinGen allele CA2683078864.